The following is an entry in ClinVar:

NM_001609.4(ACADSB):c.202G>T (p.Val68Phe)

Gene: ACADSB (acyl-CoA dehydrogenase short/branched chain; plus strand). Cytogenetic location: 10q26.13.
Variant type: single nucleotide variant.
Coding change: c.202G>T on transcript NM_001609.4 (MANE Select); coding-DNA position 202, G replaced by T.
Protein change: p.Val68Phe; replaces valine 68 with phenylalanine.
Molecular consequence: missense variant. On other transcripts: 5 prime UTR variant (1).
Genome position (GRCh38, 1-based): chr10:123,034,515, G>T. VCF-style: chr10-123034515-G-T. GRCh37 (hg19) VCF-style: chr10-124794031-G-T.
Other names: c.-4G>T (NM_001330174.3); short protein forms V68F.
Identifiers: ClinVar variation 1358968 (VCV001358968.7), dbSNP rs144894218, ClinGen allele CA5730631.

ClinVar aggregate classification (germline): Uncertain significance (1 of 4 stars; one submission).

Conditions:
Deficiency of 2-methylbutyryl-CoA dehydrogenase (ACADSB). Also called: 2-methylbutyrylglycinuria; 2-methylbutyryl-CoA dehydrogenase deficiency; SBCAD deficiency; 2-methylbutyric aciduria; Short branched-chain acyl-CoA dehydrogenase deficiency. Identifiers: Orphanet 79157, MedGen C1864912, MONDO:0012392, OMIM 610006, HP:0020147.

Allele frequency attached by ClinVar (database versions not stated): gnomAD 0.00007 and 0.00008; TOPMed 0.00007; ESP Exome Variant Server 0.00015.
gnomAD v4.1: 232 of 1,606,470 alleles (0.014%); highest among the groups gnomAD compares: Non-Finnish European, 0.019%; no homozygotes.

Submission:

Labcorp Genetics (formerly Invitae), Labcorp
Classification: Uncertain significance for Deficiency of 2-methylbutyryl-CoA dehydrogenase. Last evaluated: 2023-03-14. Review status: criteria provided, single submitter. Criteria: Invitae Variant Classification Sherloc (09022015). Collection method: clinical testing. Allele origin: germline.
Comment: This sequence change replaces valine, which is neutral and non-polar, with phenylalanine, which is neutral and non-polar, at codon 68 of the ACADSB protein (p.Val68Phe). This variant also falls at the last nucleotide of exon 2, which is part of the consensus splice site for this exon. This variant is present in population databases (rs144894218, gnomAD 0.008%). This variant has not been reported in the literature in individuals affected with ACADSB-related conditions. ClinVar contains an entry for this variant (Variation ID: 1358968). An algorithm developed to predict the effect of missense changes on protein structure and function (PolyPhen-2) suggests that this variant is likely to be disruptive. Variants that disrupt the consensus splice site are a relatively common cause of aberrant splicing (PMID: 17576681, 9536098). In summary, the available evidence is currently insufficient to determine the role of this variant in disease. Therefore, it has been classified as a Variant of Uncertain Significance.

Literature cited by the submitters: PubMed 17576681; PubMed 9536098.